The following is an entry in ClinVar:

ClinVar aggregate classification (germline): Likely benign (1 of 4 stars; one submission).

Conditions:
Epidermolysis bullosa simplex due to plakophilin deficiency. Also called: MCGRATH SYNDROME. Identifiers: Orphanet 158668, MedGen C1858302, MONDO:0011472, OMIM 604536.

Allele frequency attached by ClinVar (database versions not stated): 1000 Genomes Project 0.00080; 1000 Genomes Project 30x 0.00109; gnomAD 0.00154 and 0.00169; TOPMed 0.00181.

Submission:

Illumina Laboratory Services, Illumina
Classification: Likely benign for Epidermolysis bullosa simplex due to plakophilin deficiency. Last evaluated: 2018-01-12. Review status: criteria provided, single submitter. Criteria: ICSL Variant Classification Criteria 13 December 2019. Collection method: clinical testing. Allele origin: germline.
Comment: This variant was observed in the ICSL laboratory as part of a predisposition screen in an ostensibly healthy population. It had not been previously curated by ICSL or reported in the Human Gene Mutation Database (HGMD: prior to June 1st, 2018), and was therefore a candidate for classification through an automated scoring system. Utilizing variant allele frequency, disease prevalence and penetrance estimates, and inheritance mode, an automated score was calculated to assess if this variant is too frequent to cause the disease. Based on the score and internal cut-off values, a variant classified as likely benign is not then subjected to further curation. The score for this variant resulted in a classification of likely benign for this disease.

NM_001005337.3(PKP1):c.*327C>T

Gene: PKP1 (plakophilin 1; plus strand). Cytogenetic location: 1q32.1.
Variant type: single nucleotide variant.
Coding change: c.*327C>T on transcript NM_001005337.3 (MANE Select); 327 bases downstream of the stop codon, C replaced by T.
Molecular consequence: 3 prime UTR variant.
Genome position (GRCh38, 1-based): chr1:201,330,368, C>T. VCF-style: chr1-201330368-C-T. GRCh37 (hg19) VCF-style: chr1-201299496-C-T.
Other names: c.*327C>T (NM_000299.4).
Identifiers: ClinVar variation 294841 (VCV000294841.5), dbSNP rs188228781, ClinGen allele CA10608786.
Genomic context (GRCh38, chr1:201,330,368, plus strand): 5'-ATTTCTTCCTCTGAGAAATGGTATATATATGTGTATAATGTAAGTGTGTGCATGCATGTG[C>T]GCGTGCATGTGTGTGTGTGTGAGTGTCTTAAAGCATAACCACAAACTGCAAAAAGCTAGG-3'